The following is an entry in ClinVar:

NM_013352.4(DSE):c.-112535C>T

Gene: DSE (dermatan sulfate epimerase; plus strand). Cytogenetic location: 6q22.1.
Variant type: single nucleotide variant.
Coding change: c.-112535C>T on transcript NM_013352.4 (MANE Select); 112535 bases upstream of the start codon, C replaced by T.
Molecular consequence: genic upstream transcript variant. On other transcripts: 5 prime UTR variant (6).
Genome position (GRCh38, 1-based): chr6:116,258,640, C>T. VCF-style: chr6-116258640-C-T. GRCh37 (hg19) VCF-style: chr6-116579803-C-T.
Other names: c.-381C>T (NM_001322937.2, NM_001322938.2, NM_001374522.1); c.-938C>T (NM_001322940.2); c.-1281C>T (NM_001374520.1); c.-968C>T (NM_001374521.1).
Identifiers: ClinVar variation 4887334 (VCV004887334.1).

ClinVar aggregate classification (germline): Uncertain significance (1 of 4 stars; one submission).

gnomAD v4.1: 175 of 1,612,390 alleles (0.011%); highest among the groups gnomAD compares: East Asian, 0.16%; 1 homozygote.

Submission:

Women's Health and Genetics/Laboratory Corporation of America, LabCorp
Classification: Uncertain significance. Last evaluated: 2026-06-11. Review status: criteria provided, single submitter. Criteria: LabCorp Variant Classification Summary - May 2015. Collection method: clinical testing. Allele origin: germline.
Comment: Variant summary: DSE c.-112535C>T is located in the untranscribed region upstream of the DSE gene region. The variant allele was found at a frequency of 0.0002 in 251278 control chromosomes. This frequency is not significantly higher than estimated for disease-causing variants in DSE, allowing no conclusion about variant significance. To our knowledge, no occurrence of c.-112535C>T in individuals affected with DSE-related conditions and no experimental evidence demonstrating its impact on protein function have been reported. No submitters have cited clinical-significance assessments for this variant to ClinVar. Based on the evidence outlined above, the variant was classified as uncertain significance.